The following is an entry in ClinVar:

ClinVar aggregate classification (germline): Uncertain significance (1 of 4 stars; one submission).

Conditions:
Hereditary breast ovarian cancer syndrome. Also called: BRCA1- and BRCA2-Associated Hereditary Breast and Ovarian Cancer; Hereditary breast and/or ovarian cancer syndrome; Hereditary breast and ovarian cancer syndrome; Hereditary breast and ovarian cancer; Hereditary breast and ovarian cancer syndrome (HBOC); Breast and ovarian cancer. Identifiers: Orphanet 145, MedGen C0677776, MeSH D061325, MONDO:0003582. Disease mechanism: loss of function.

Submission:

Labcorp Genetics (formerly Invitae), Labcorp
Classification: Uncertain significance for Hereditary breast ovarian cancer syndrome. Last evaluated: 2021-06-04. Review status: criteria provided, single submitter. Criteria: Invitae Variant Classification Sherloc (09022015). Collection method: clinical testing. Allele origin: germline.
Comment: This sequence change replaces phenylalanine with isoleucine at codon 3298 of the BRCA2 protein (p.Phe3298Ile). The phenylalanine residue is highly conserved and there is a small physicochemical difference between phenylalanine and isoleucine. This variant is not present in population databases (ExAC no frequency). This variant has not been reported in the literature in individuals with BRCA2-related disease. Algorithms developed to predict the effect of missense changes on protein structure and function are either unavailable or do not agree on the potential impact of this missense change (SIFT: "Deleterious"; PolyPhen-2: "Probably Damaging"; Align-GVGD: "Class C15"). In summary, the available evidence is currently insufficient to determine the role of this variant in disease. Therefore, it has been classified as a Variant of Uncertain Significance.

NM_000059.4(BRCA2):c.9892T>A (p.Phe3298Ile)

Gene: BRCA2 (BRCA2 DNA repair associated; plus strand). Cytogenetic location: 13q13.1.
Variant type: single nucleotide variant.
Coding change: c.9892T>A on transcript NM_000059.4 (MANE Select); coding-DNA position 9892, T replaced by A.
Protein change: p.Phe3298Ile; replaces phenylalanine 3298 with isoleucine.
Molecular consequence: missense variant.
Genome position (GRCh38, 1-based): chr13:32,398,405, T>A. VCF-style: chr13-32398405-T-A. GRCh37 (hg19) VCF-style: chr13-32972542-T-A.
Other names: short protein forms F3298I.
Identifiers: ClinVar variation 1019349 (VCV001019349.9), dbSNP rs2073052295, ClinGen allele CA387766852.